The following is an entry in ClinVar:

NM_006744.4(RBP4):c.2T>C (p.Met1Thr)

Gene: RBP4 (retinol binding protein 4; minus strand). Cytogenetic location: 10q23.33.
Variant type: single nucleotide variant.
Coding change: c.2T>C on transcript NM_006744.4 (MANE Select); coding-DNA position 2, T replaced by C.
Protein change: p.Met1Thr; changes the start codon (methionine 1).
Molecular consequence: missense variant, initiator codon variant. On other transcripts: intron variant (1).
Genome position (GRCh38, 1-based): chr10:93,601,027, A>G on the plus strand (T>C on the coding strand, the complement: RBP4 is on the minus strand). VCF-style: chr10-93601027-A-G. GRCh37 (hg19) VCF-style: chr10-95360784-A-G.
Other names: c.2T>C, p.Met1Thr (NM_001323517.1); c.52-56T>C (NM_001323518.2); short protein forms M1T.
Identifiers: ClinVar variation 1052670 (VCV001052670.9), dbSNP rs2134576631, ClinGen allele CA377619119.

ClinVar aggregate classification (germline): Uncertain significance (1 of 4 stars; one submission).

Allele frequency attached by ClinVar (database versions not stated): gnomAD exomes below 0.00001.

Submission:

Labcorp Genetics (formerly Invitae), Labcorp
Classification: Uncertain significance. Last evaluated: 2022-10-17. Review status: criteria provided, single submitter. Criteria: Invitae Variant Classification Sherloc (09022015). Collection method: clinical testing. Allele origin: germline.
Comment: In summary, the available evidence is currently insufficient to determine the role of this variant in disease. Therefore, it has been classified as a Variant of Uncertain Significance. ClinVar contains an entry for this variant (Variation ID: 1052670). This variant has not been reported in the literature in individuals affected with RBP4-related conditions. This variant is not present in population databases (gnomAD no frequency). This sequence change affects the initiator methionine of the RBP4 mRNA. The next in-frame methionine is located at codon 45.